The following is an entry in ClinVar:

NM_004006.3(DMD):c.5336C>G (p.Pro1779Arg)

Gene: DMD (dystrophin; minus strand). Cytogenetic location: Xp21.1.
Variant type: single nucleotide variant.
Coding change: c.5336C>G on transcript NM_004006.3 (MANE Select); coding-DNA position 5336, C replaced by G.
Protein change: p.Pro1779Arg; replaces proline 1779 with arginine.
Molecular consequence: missense variant.
Genome position (GRCh38, 1-based): chrX:32,348,518, G>C on the plus strand (C>G on the coding strand, the complement: DMD is on the minus strand). VCF-style: chrX-32348518-G-C. GRCh37 (hg19) VCF-style: chrX-32366635-G-C.
Other names: c.5312C>G, p.Pro1771Arg (NM_000109.4); c.5324C>G, p.Pro1775Arg (NM_004009.3); c.4967C>G, p.Pro1656Arg (NM_004010.3); c.1313C>G, p.Pro438Arg (NM_004011.4); c.1304C>G, p.Pro435Arg (NM_004012.4); c.5336C>G (NM_004006.2); short protein forms P1656R, P1771R, P1775R, P1779R, P435R, P438R.
Identifiers: ClinVar variation 1015595 (VCV001015595.8), dbSNP rs2097771479, ClinGen allele CA412668129.
Genomic context (GRCh38, chrX:32,348,518, plus strand): 5'-GCCTCCAGTGGTTCAAGCAATTTTTGTATATCTGAGTTAAACTGCTCCAATTCCTTCAAA[G>C]GAATGGAGGCCTAAAAAAAAAGATAGTGCTACTTTAAATCAAAATTACTTTTTATTAGAA-3'
Protein context (NP_003997.2, residues 1769-1789): HRIKTGKASI[Pro1779Arg]LKELEQFNSD

ClinVar aggregate classification (germline): Uncertain significance. Review status: criteria provided, multiple submitters, no conflicts (2 of 4 stars). 3 submissions from 3 submitters: Uncertain significance (2). 1 of the submissions does not count toward it. Last evaluated 2025-07-09.

Conditions:
Cardiovascular phenotype. Identifiers: MedGen CN230736.
Duchenne muscular dystrophy (DMD). Also called: MUSCULAR DYSTROPHY, PSEUDOHYPERTROPHIC PROGRESSIVE, DUCHENNE TYPE; Duchenne Muscular Dystrophy (DMD). Identifiers: Orphanet 98896, MedGen C0013264, MONDO:0010679, OMIM 310200.
Dystrophin deficiency.
Becker muscular dystrophy (BMD). Also called: MUSCULAR DYSTROPHY, PSEUDOHYPERTROPHIC PROGRESSIVE, BECKER TYPE; Becker Muscular Dystrophy (BMD). Identifiers: Orphanet 98895, MedGen C0917713, MONDO:0010311, OMIM 300376.
Cardiomyopathy (CMYO). Also called: Cardiomyopathies. Identifiers: Orphanet 167848, MedGen C0878544, MONDO:0004994, HP:0001638. Inheritance: Various modes of inheritance.

gnomAD v4.1: 1 of 1,202,329 alleles (0.000083%); highest among the groups gnomAD compares: Non-Finnish European, 0.00011%; no homozygotes.

Submissions (3):

Ambry Genetics
Classification: Uncertain significance for Cardiovascular phenotype. Last evaluated: 2025-07-09. Review status: criteria provided, single submitter. Criteria: Ambry Variant Classification Scheme 2023. Collection method: clinical testing. Allele origin: germline.
Comment: The p.P1779R variant (also known as c.5336C>G), located in coding exon 38 of the DMD gene, results from a C to G substitution at nucleotide position 5336. The proline at codon 1779 is replaced by arginine, an amino acid with dissimilar properties. This amino acid position is highly conserved in available vertebrate species. In addition, this alteration is predicted to be tolerated by in silico analysis. Based on the available evidence, the clinical significance of this variant remains unclear.

Labcorp Genetics (formerly Invitae), Labcorp
Classification: Uncertain significance for Duchenne muscular dystrophy. Last evaluated: 2021-08-30. Review status: criteria provided, single submitter. Criteria: Invitae Variant Classification Sherloc (09022015). Collection method: clinical testing. Allele origin: germline.
Comment: This sequence change replaces proline with arginine at codon 1779 of the DMD protein (p.Pro1779Arg). The proline residue is highly conserved and there is a moderate physicochemical difference between proline and arginine. This variant is not present in population databases (ExAC no frequency). This variant has not been reported in the literature in individuals affected with DMD-related conditions. Algorithms developed to predict the effect of missense changes on protein structure and function (SIFT, PolyPhen-2, Align-GVGD) all suggest that this variant is likely to be disruptive. In summary, the available evidence is currently insufficient to determine the role of this variant in disease. Therefore, it has been classified as a Variant of Uncertain Significance.

Natera, Inc.
Classification: Uncertain significance for Becker muscular dystrophy; Cardiomyopathy; Duchenne muscular dystrophy; Dystrophin deficiency. Last evaluated: 2019-04-24. Review status: no assertion criteria provided. Collection method: clinical testing. Allele origin: germline. Not counted in ClinVar's aggregate classification.